The following is an entry in ClinVar:

ClinVar aggregate classification (germline): Likely benign. Review status: criteria provided, multiple submitters, no conflicts (2 of 4 stars). 3 submissions from 3 submitters: Likely benign (3). Last evaluated 2026-02-03.

Conditions:
FGFR3-related disorder. Also called: FGFR3-related disorders.

Allele frequency attached by ClinVar (database versions not stated): gnomAD 0.00009 and 0.00010; TOPMed 0.00012; ExAC 0.00003; gnomAD exomes 0.00005.
gnomAD v4.1: 153 of 1,612,998 alleles (0.0095%); highest among the groups gnomAD compares: Non-Finnish European, 0.012%; no homozygotes.

Submissions (3):

Labcorp Genetics (formerly Invitae), Labcorp
Classification: Likely benign. Last evaluated: 2026-02-03. Review status: criteria provided, single submitter. Criteria: Invitae Variant Classification Sherloc (09022015). Collection method: clinical testing. Allele origin: germline.

PreventionGenetics, part of Exact Sciences
Classification: Likely benign for FGFR3-related condition. Last evaluated: 2025-08-21. Review status: criteria provided, single submitter. Criteria: ACMG Guidelines, 2015. Collection method: clinical testing. Allele origin: germline.
Comment: This variant is classified as likely benign based on ACMG/AMP sequence variant interpretation guidelines (Richards et al. 2015 PMID: 25741868, with internal and published modifications).

GeneDx
Classification: Likely benign. Last evaluated: 2019-01-23. Review status: criteria provided, single submitter. Criteria: GeneDx Variant Classification Process June 2021. Collection method: clinical testing. Allele origin: germline. Affected: yes.

NM_000142.5(FGFR3):c.1206C>A (p.Pro402=)

Gene: FGFR3 (fibroblast growth factor receptor 3; plus strand). Cytogenetic location: 4p16.3.
Variant type: single nucleotide variant.
Coding change: c.1206C>A on transcript NM_000142.5 (MANE Select); coding-DNA position 1206, C replaced by A.
Protein change: p.Pro402=; no amino-acid change (proline 402 retained).
Molecular consequence: synonymous variant. On other transcripts: non-coding transcript variant (1), intron variant (1).
Genome position (GRCh38, 1-based): chr4:1,804,460, C>A. VCF-style: chr4-1804460-C-A. GRCh37 (hg19) VCF-style: chr4-1806187-C-A.
Other names: c.1212C>A, p.Pro404= (NM_001163213.2); c.1206C>A, p.Pro402= (NM_001354809.2, NM_001354810.2); c.931-364C>A (NM_022965.4).
Identifiers: ClinVar variation 1200664 (VCV001200664.12), dbSNP rs779554720, ClinGen allele CA2810299.